The following is an entry in ClinVar:

NM_001127178.3(PIGG):c.2392T>C (p.Tyr798His)

Gene: PIGG (phosphatidylinositol glycan anchor biosynthesis class G (EMM blood group); plus strand). Cytogenetic location: 4p16.3.
Variant type: single nucleotide variant.
Coding change: c.2392T>C on transcript NM_001127178.3 (MANE Select); coding-DNA position 2392, T replaced by C.
Protein change: p.Tyr798His; replaces tyrosine 798 with histidine.
Molecular consequence: missense variant. On other transcripts: non-coding transcript variant (6).
Genome position (GRCh38, 1-based): chr4:530,566, T>C. VCF-style: chr4-530566-T-C. GRCh37 (hg19) VCF-style: chr4-524355-T-C.
Other names: c.2125T>C, p.Tyr709His (NM_001289051.2, NM_001345986.2); c.1993T>C, p.Tyr665His (NM_001289052.2); c.2101T>C, p.Tyr701His (NM_001345987.2); c.1363T>C, p.Tyr455His (NM_001345988.2); c.859T>C, p.Tyr287His (NM_001345990.2, NM_001345991.2); c.1294T>C, p.Tyr432His (NM_001345994.2); c.2368T>C, p.Tyr790His (NM_017733.5); short protein forms Y798H, Y432H, Y665H, Y701H, Y790H, Y287H, Y455H, Y709H.
Identifiers: ClinVar variation 577517 (VCV000577517.10), dbSNP rs773802422, ClinGen allele CA2793625.
Genomic context (GRCh38, chr4:530,566, plus strand): 5'-CTTAAATCTCAAGTCATTGCTGCAGACTTCAAACTCAAGACTGTAGGTTTATGGGAGATA[T>C]ATAGTGGATTAGTTCTTCTGGCAGCCTTGCTCTTTAGACCACATAATCTTCCGGTCTTAG-3'
Protein context (NP_001120650.1, residues 788-808): KLKTVGLWEI[Tyr798His]SGLVLLAALL

ClinVar aggregate classification (germline): Uncertain significance. Review status: criteria provided, multiple submitters, no conflicts (2 of 4 stars). 2 submissions from 2 submitters: Uncertain significance (2). Last evaluated 2026-03-06.

Conditions:
Intellectual disability, autosomal recessive 53 (NEDHSCA). Also called: NEURODEVELOPMENTAL DISORDER WITH OR WITHOUT HYPOTONIA, SEIZURES, AND CEREBELLAR ATROPHY; GLYCOSYLPHOSPHATIDYLINOSITOL BIOSYNTHESIS DEFECT 13; Mental retardation, autosomal recessive 53. Identifiers: Orphanet 488635, MedGen C4310794, MONDO:0014832, OMIM 616917.

Allele frequency attached by ClinVar (database versions not stated): gnomAD exomes below 0.00001; ExAC 0.00001; TOPMed 0.00002; gnomAD 0.00003.
gnomAD v4.1: 7 of 1,613,606 alleles (0.00043%); highest among the groups gnomAD compares: Admixed American, 0.0017%; no homozygotes.

Submissions (2):

GeneDx
Classification: Uncertain significance. Last evaluated: 2026-03-06. Review status: criteria provided, single submitter. Criteria: GeneDx Variant Classification Process June 2021. Collection method: clinical testing. Allele origin: germline.
Comment: Not observed at significant frequency in large population cohorts (gnomAD); In silico analysis suggests that this missense variant does not alter protein structure/function; Has not been previously published as pathogenic or benign to our knowledge

Labcorp Genetics (formerly Invitae), Labcorp
Classification: Uncertain significance for Intellectual disability, autosomal recessive 53. Last evaluated: 2018-04-28. Review status: criteria provided, single submitter. Criteria: Invitae Variant Classification Sherloc (09022015). Collection method: clinical testing. Allele origin: germline.
Comment: Algorithms developed to predict the effect of missense changes on protein structure and function output the following: SIFT: "Tolerated"; PolyPhen-2: "Benign"; Align-GVGD: "Class C0". The histidine amino acid residue is found in multiple mammalian species, suggesting that this missense change does not adversely affect protein function. These predictions have not been confirmed by published functional studies and their clinical significance is uncertain. In summary, the available evidence is currently insufficient to determine the role of this variant in disease. Therefore, it has been classified as a Variant of Uncertain Significance. This variant has not been reported in the literature in individuals with PIGG-related disease. This sequence change replaces tyrosine with histidine at codon 798 of the PIGG protein (p.Tyr798His). The tyrosine residue is moderately conserved and there is a moderate physicochemical difference between tyrosine and histidine. This variant is present in population databases (rs773802422, ExAC 0.001%).